The following is an entry in ClinVar:

ClinVar aggregate classification (germline): Uncertain significance. Review status: criteria provided, multiple submitters, no conflicts (2 of 4 stars). 2 submissions from 2 submitters: Uncertain significance (2). Last evaluated 2024-02-09.

Conditions:
Hereditary cancer-predisposing syndrome. Also called: Neoplastic Syndromes, Hereditary; Tumor predisposition; Hereditary Cancer Syndrome; Hereditary neoplastic syndrome. Identifiers: Orphanet 140162, MedGen C0027672, MeSH D009386, MONDO:0015356.
Ataxia-telangiectasia syndrome (AT). Also called: LOUIS-BAR SYNDROME; Cerebello-oculocutaneous telangiectasia; Immunodeficiency with ataxia telangiectasia; Ataxia telangiectasia (A-T); Ataxia-telangiectasia, complementation group D; AT, COMPLEMENTATION GROUP C. Identifiers: Orphanet 100, MedGen C0004135, MONDO:0008840, OMIM 208900.

Submissions (2):

Labcorp Genetics (formerly Invitae), Labcorp
Classification: Uncertain significance for Ataxia-telangiectasia syndrome. Last evaluated: 2024-02-09. Review status: criteria provided, single submitter. Criteria: Invitae Variant Classification Sherloc (09022015). Collection method: clinical testing. Allele origin: germline.
Comment: This sequence change replaces alanine, which is neutral and non-polar, with glycine, which is neutral and non-polar, at codon 2857 of the ATM protein (p.Ala2857Gly). This variant is not present in population databases (gnomAD no frequency). This variant has not been reported in the literature in individuals affected with ATM-related conditions. ClinVar contains an entry for this variant (Variation ID: 1496361). An algorithm developed to predict the effect of missense changes on protein structure and function (PolyPhen-2) suggests that this variant is likely to be disruptive. Algorithms developed to predict the effect of sequence changes on RNA splicing suggest that this variant may disrupt the consensus splice site. In summary, the available evidence is currently insufficient to determine the role of this variant in disease. Therefore, it has been classified as a Variant of Uncertain Significance.

Ambry Genetics
Classification: Uncertain significance for Hereditary cancer-predisposing syndrome. Last evaluated: 2021-12-20. Review status: criteria provided, single submitter. Criteria: Ambry Variant Classification Scheme 2023. Collection method: clinical testing. Allele origin: germline.
Comment: The p.A2857G variant (also known as c.8570C>G), located in coding exon 57 of the ATM gene, results from a C to G substitution at nucleotide position 8570. The alanine at codon 2857 is replaced by glycine, an amino acid with similar properties. This amino acid position is highly conserved in available vertebrate species. In addition, this alteration is predicted to be deleterious by in silico analysis. Since supporting evidence is limited at this time, the clinical significance of this alteration remains unclear.

NM_000051.4(ATM):c.8570C>G (p.Ala2857Gly)

Genes: ATM (ATM serine/threonine kinase; plus strand), C11orf65 (chromosome 11 open reading frame 65; minus strand). Cytogenetic location: 11q22.3.
Variant type: single nucleotide variant.
Coding change: c.8570C>G on transcript NM_000051.4 (MANE Select); coding-DNA position 8570, C replaced by G.
Protein change: p.Ala2857Gly; replaces alanine 2857 with glycine.
Molecular consequence: missense variant. On other transcripts: intron variant (2).
Genome position (GRCh38, 1-based): chr11:108,345,894, C>G. VCF-style: chr11-108345894-C-G. GRCh37 (hg19) VCF-style: chr11-108216621-C-G.
Other names: c.8570C>G, p.Ala2857Gly (NM_001351834.2); c.641-36823G>C (NM_001330368.2); c.695-10602G>C (NM_001351110.2); short protein forms A2857G.
Identifiers: ClinVar variation 1496361 (VCV001496361.9), dbSNP rs2137037690, ClinGen allele CA382518698.